The following is an entry in ClinVar:

NM_002471.4(MYH6):c.3575C>T (p.Ala1192Val)

Gene: MYH6 (myosin heavy chain 6; minus strand). Cytogenetic location: 14q11.2.
Variant type: single nucleotide variant.
Coding change: c.3575C>T on transcript NM_002471.4 (MANE Select); coding-DNA position 3575, C replaced by T.
Protein change: p.Ala1192Val; replaces alanine 1192 with valine.
Molecular consequence: missense variant.
Genome position (GRCh38, 1-based): chr14:23,390,214, G>A on the plus strand (C>T on the coding strand, the complement: MYH6 is on the minus strand). VCF-style: chr14-23390214-G-A. GRCh37 (hg19) VCF-style: chr14-23859423-G-A.
Other names: short protein forms A1192V.
Identifiers: ClinVar variation 239168 (VCV000239168.17), dbSNP rs765797952, ClinGen allele CA7115138.

ClinVar aggregate classification (germline): Uncertain significance. Review status: criteria provided, multiple submitters, no conflicts (2 of 4 stars). 5 submissions from 5 submitters: Uncertain significance (5). Last evaluated 2026-10-01.

Conditions:
Sick sinus syndrome 3, susceptibility to (SSS3). Identifiers: Orphanet 166282, MedGen C3279791, MONDO:0013568, OMIM 614090.
Dilated cardiomyopathy 1EE (CMD1EE). Identifiers: Orphanet 154, MedGen C2750466, MONDO:0013198, OMIM 613252.
Hypertrophic cardiomyopathy 14. Identifiers: MedGen C2750467, MONDO:0013197, OMIM 613251.
Atrial septal defect 3 (ASD3). Identifiers: Orphanet 1478, MedGen C3279790, MONDO:0013567, OMIM 614089.
Hypertrophic cardiomyopathy 1 (CMH1). Also called: MYH7-Related Familial Hypertrophic Cardiomyopathy; Familial hypertrophic cardiomyopathy 1. Identifiers: MedGen C3495498, MONDO:0008647, OMIM 192600.
Cardiovascular phenotype. Identifiers: MedGen CN230736.
MYH6-related disorder. Also called: MYH6-related condition; MYH6-Related Disorders.

Allele frequency attached by ClinVar (database versions not stated): gnomAD exomes below 0.00001 and 0.00001; gnomAD 0.00001 and 0.00002; ExAC 0.00001; TOPMed 0.00003.
gnomAD v4.1: 14 of 1,597,080 alleles (0.00088%); highest among the groups gnomAD compares: East Asian, 0.0045%; no homozygotes.

Submissions (5):

GeneDx
Classification: Uncertain significance. Last evaluated: 2026-10-01. Review status: criteria provided, single submitter. Criteria: GeneDx Variant Classification Process June 2021. Collection method: clinical testing. Allele origin: germline.
Comment: Has not been previously published as pathogenic or benign to our knowledge; Not observed at significant frequency in large population cohorts (gnomAD); In silico analysis supports that this missense variant has a deleterious effect on protein structure/function

PreventionGenetics, part of Exact Sciences
Classification: Uncertain significance for MYH6-related condition. Last evaluated: 2026-01-20. Review status: criteria provided, single submitter. Criteria: ACMG Guidelines, 2015. Collection method: clinical testing. Allele origin: germline.
Comment: The MYH6 c.3575C>T variant is predicted to result in the amino acid substitution p.Ala1192Val. To our knowledge, this variant has not been reported in the literature. This variant is reported in 0.0053% of alleles in individuals of East Asian descent in gnomAD. At this time, the clinical significance of this variant is uncertain due to the absence of conclusive functional and genetic evidence.

Ambry Genetics
Classification: Uncertain significance for Cardiovascular phenotype. Last evaluated: 2025-08-24. Review status: criteria provided, single submitter. Criteria: Ambry Variant Classification Scheme 2023. Collection method: clinical testing. Allele origin: germline.
Comment: The p.A1192V variant (also known as c.3575C>T), located in coding exon 24 of the MYH6 gene, results from a C to T substitution at nucleotide position 3575. The alanine at codon 1192 is replaced by valine, an amino acid with similar properties. This amino acid position is well conserved in available vertebrate species. In addition, the in silico prediction for this alteration is inconclusive. Since supporting evidence is limited at this time, the clinical significance of this alteration remains unclear.

Labcorp Genetics (formerly Invitae), Labcorp
Classification: Uncertain significance for Hypertrophic cardiomyopathy 14. Last evaluated: 2025-01-20. Review status: criteria provided, single submitter. Criteria: Invitae Variant Classification Sherloc (09022015). Collection method: clinical testing. Allele origin: germline.
Comment: This sequence change replaces alanine, which is neutral and non-polar, with valine, which is neutral and non-polar, at codon 1192 of the MYH6 protein (p.Ala1192Val). This variant is present in population databases (rs765797952, gnomAD 0.009%). This variant has not been reported in the literature in individuals affected with MYH6-related conditions. ClinVar contains an entry for this variant (Variation ID: 239168). Invitae Evidence Modeling of protein sequence and biophysical properties (such as structural, functional, and spatial information, amino acid conservation, physicochemical variation, residue mobility, and thermodynamic stability) indicates that this missense variant is not expected to disrupt MYH6 protein function with a negative predictive value of 80%. In summary, the available evidence is currently insufficient to determine the role of this variant in disease. Therefore, it has been classified as a Variant of Uncertain Significance.

Fulgent Genetics
Classification: Uncertain significance for Hypertrophic cardiomyopathy 1; Hypertrophic cardiomyopathy 14; Dilated cardiomyopathy 1EE; Atrial septal defect 3; Sick sinus syndrome 3, susceptibility to. Last evaluated: 2021-09-09. Review status: criteria provided, single submitter. Criteria: ACMG Guidelines, 2015. Collection method: clinical testing. Allele origin: unknown.